The following is an entry in ClinVar:

NM_015346.4(ZFYVE26):c.1650T>C (p.Asn550=)

Gene: ZFYVE26 (zinc finger FYVE-type containing 26; minus strand). Cytogenetic location: 14q24.1.
Variant type: single nucleotide variant.
Coding change: c.1650T>C on transcript NM_015346.4 (MANE Select); coding-DNA position 1650, T replaced by C.
Protein change: p.Asn550=; no amino-acid change (asparagine 550 retained).
Molecular consequence: synonymous variant.
Genome position (GRCh38, 1-based): chr14:67,798,612, A>G on the plus strand (T>C on the coding strand, the complement: ZFYVE26 is on the minus strand). VCF-style: chr14-67798612-A-G. GRCh37 (hg19) VCF-style: chr14-68265329-A-G.
Identifiers: ClinVar variation 1635776 (VCV001635776.29), dbSNP rs1180056235, ClinGen allele CA486971553.
Genomic context (GRCh38, chr14:67,798,612, plus strand): 5'-CAGAGAGTCAGGAATACTGCACAGATACTGTTGACACCTGGCCAGGTAAGTTGAGAAGAG[A>G]TTTGCAGCACCTACAAAAACATGTACAAGAGAAGAGGCCAGAGAAAGAGAAGACAGAGAA-3'
Protein context (NP_056161.2, residues 540-560): NDSLSSPGAA[Asn550=]LFSTYLARCQ

ClinVar aggregate classification (germline): Likely benign. Review status: criteria provided, multiple submitters, no conflicts (2 of 4 stars). 2 submissions from 2 submitters: Likely benign (2). Last evaluated 2024-02-01.

Conditions:
Spastic paraplegia. Identifiers: MedGen C0037772, HP:0001258.

Allele frequency attached by ClinVar (database versions not stated): gnomAD exomes below 0.00001 and 0.00001; TOPMed below 0.00001; gnomAD 0.00001.
gnomAD v4.1: 15 of 1,613,772 alleles (0.00093%); highest among the groups gnomAD compares: Non-Finnish European, 0.00093%; no homozygotes.

Submissions (2):

CeGaT Center for Human Genetics Tuebingen
Classification: Likely benign. Last evaluated: 2024-02-01. Review status: criteria provided, single submitter. Criteria: CeGaT Center For Human Genetics Tuebingen Variant Classification Criteria Version 2. Collection method: clinical testing. Allele origin: germline. Affected: yes. Observed: 1 variant allele.
Comment: ZFYVE26: BP4, BP7

Labcorp Genetics (formerly Invitae), Labcorp
Classification: Likely benign for Spastic paraplegia. Last evaluated: 2022-08-09. Review status: criteria provided, single submitter. Criteria: Invitae Variant Classification Sherloc (09022015). Collection method: clinical testing. Allele origin: germline.